The following is an entry in ClinVar:

NM_004415.4(DSP):c.4018C>T (p.Arg1340Cys)

Gene: DSP (desmoplakin; plus strand). Cytogenetic location: 6p24.3.
Variant type: single nucleotide variant.
Coding change: c.4018C>T on transcript NM_004415.4 (MANE Select); coding-DNA position 4018, C replaced by T.
Protein change: p.Arg1340Cys; replaces arginine 1340 with cysteine.
Molecular consequence: missense variant. On other transcripts: intron variant (1).
Genome position (GRCh38, 1-based): chr6:7,580,208, C>T. VCF-style: chr6-7580208-C-T. GRCh37 (hg19) VCF-style: chr6-7580441-C-T.
Other names: p.Arg1340Cys; c.4018C>T, p.Arg1340Cys (NM_001319034.2); c.3582+436C>T (NM_001008844.3); c.4018C>T (LRG_423t1, NM_004415.3); short protein forms R1340C.
Identifiers: ClinVar variation 627742 (VCV000627742.36), dbSNP rs768628788, ClinGen allele CA039846.

ClinVar aggregate classification (germline): Conflicting classifications of pathogenicity. Review status: criteria provided, conflicting classifications (1 of 4 stars). 8 submissions from 8 submitters: Uncertain significance (7); Likely benign (1). Last evaluated 2026-01-27.

Conditions:
Arrhythmogenic cardiomyopathy with wooly hair and keratoderma. Also called: Carvajal syndrome; Dilated cardiomyopathy with woolly hair and keratoderma; Arrhythmogenic cardiomyopathy with woolly hair and keratoderma; PALMOPLANTAR KERATODERMA WITH LEFT VENTRICULAR CARDIOMYOPATHY AND WOOLLY HAIR. Identifiers: Orphanet 65282, MedGen C1854063, MONDO:0011581, OMIM 605676.
Cardiovascular phenotype. Identifiers: MedGen CN230736.
Arrhythmogenic right ventricular dysplasia 8 (ARVD8). Also called: Arrhythmogenic Right Ventricular Dysplasia/Cardiomyopathy 8; ARRHYTHMOGENIC RIGHT VENTRICULAR DYSPLASIA, FAMILIAL, 8; ARRHYTHMOGENIC RIGHT VENTRICULAR CARDIOMYOPATHY 8. Identifiers: MedGen C1843896, MONDO:0011831, OMIM 607450.
Cardiomyopathy (CMYO). Also called: Cardiomyopathies. Identifiers: Orphanet 167848, MedGen C0878544, MONDO:0004994, HP:0001638. Inheritance: Various modes of inheritance.

Allele frequency attached by ClinVar (database versions not stated): TOPMed 0.00002.
gnomAD v4.1: 39 of 1,613,808 alleles (0.0024%); highest among the groups gnomAD compares: East Asian, 0.0045%; no homozygotes.

Submissions (8):

Labcorp Genetics (formerly Invitae), Labcorp
Classification: Likely benign for Arrhythmogenic cardiomyopathy with wooly hair and keratoderma; Arrhythmogenic right ventricular dysplasia 8. Last evaluated: 2026-01-27. Review status: criteria provided, single submitter. Criteria: Invitae Variant Classification Sherloc (09022015). Collection method: clinical testing. Allele origin: germline.

Molecular Diagnostic Laboratory for Inherited Cardiovascular Disease, Montreal Heart Institute
Classification: Uncertain significance for Cardiovascular phenotype. Last evaluated: 2025-02-17. Review status: criteria provided, single submitter. Criteria: ACMG Guidelines, 2015. Collection method: clinical testing. Allele origin: germline. Affected: yes.
Comment: PM2, BP5

Ambry Genetics
Classification: Uncertain significance for Cardiovascular phenotype. Last evaluated: 2024-11-18. Review status: criteria provided, single submitter. Criteria: Ambry Variant Classification Scheme 2023. Collection method: clinical testing. Allele origin: germline.
Comment: The p.R1340C variant (also known as c.4018C>T), located in coding exon 23 of the DSP gene, results from a C to T substitution at nucleotide position 4018. The arginine at codon 1340 is replaced by cysteine, an amino acid with highly dissimilar properties. This amino acid position is not well conserved in available vertebrate species. In addition, the in silico prediction for this alteration is inconclusive. Based on the available evidence, the clinical significance of this variant remains unclear.

Blueprint Genetics
Classification: Uncertain significance. Last evaluated: 2024-11-07. Review status: criteria provided, single submitter. Criteria: ACMG Guidelines, 2015. Collection method: clinical testing. Allele origin: germline.

All of Us Research Program, National Institutes of Health
Classification: Uncertain significance for Arrhythmogenic cardiomyopathy with wooly hair and keratoderma. Last evaluated: 2024-09-23. Review status: criteria provided, single submitter. Criteria: ACMG Guidelines, 2015. Collection method: clinical testing. Allele origin: germline. Inheritance: Autosomal dominant inheritance. Observed: 13 variant alleles, 13 heterozygotes.
Comment: This missense variant replaces arginine with cysteine at codon 1340 of the DSP protein. Computational prediction suggests that this variant may not impact protein structure and function (internally defined REVEL score threshold <= 0.5, PMID: 27666373). To our knowledge, functional studies have not been reported for this variant. This variant has not been reported in individuals affected with cardiovascular disorders in the literature. This variant has been identified in 11/250620 chromosomes in the general population by the Genome Aggregation Database (gnomAD). The available evidence is insufficient to determine the role of this variant in disease conclusively. Therefore, this variant is classified as a Variant of Uncertain Significance.

This study involves interpretation of variants in research participants for the purpose of population health screening. Participant phenotype was not available at the time of variant classification. Additional details can be found in publication PMID: 35346344, PMCID: PMC8962531

Color Diagnostics, LLC DBA Color Health
Classification: Uncertain significance for Cardiomyopathy. Last evaluated: 2024-01-03. Review status: criteria provided, single submitter. Criteria: ACMG Guidelines, 2015. Collection method: clinical testing. Allele origin: germline.
Comment: This missense variant replaces arginine with cysteine at codon 1340 of the DSP protein. Computational prediction suggests that this variant may not impact protein structure and function (internally defined REVEL score threshold <= 0.5, PMID: 27666373). To our knowledge, functional studies have not been reported for this variant. This variant has not been reported in individuals affected with cardiovascular disorders in the literature. This variant has been identified in 11/250620 chromosomes in the general population by the Genome Aggregation Database (gnomAD). The available evidence is insufficient to determine the role of this variant in disease conclusively. Therefore, this variant is classified as a Variant of Uncertain Significance.

Petrovsky National Research Centre of Surgery, The Federal Agency for Scientific Organizations
Classification: Uncertain significance for Cardiomyopathy. Last evaluated: 2022-11-01. Review status: criteria provided, single submitter. Criteria: ACMG Guidelines, 2015. Collection method: clinical testing. Allele origin: germline. Inheritance: Autosomal dominant inheritance. Affected: yes. Observed: 1 heterozygote.
Comment: This variant is not observed at significant frequency in large population cohorts (gnomAD). ClinVar contains an entry for this variant (Variation ID: 627742). Multiple in silico resources predict both deleterious and benign effect of this variant. However, in the absence of the functional studies, we could only classify the p.Arg1340Cys genetic variant as a variant with uncertain clinical significance.

GeneDx
Classification: Uncertain significance. Last evaluated: 2020-02-06. Review status: criteria provided, single submitter. Criteria: GeneDx Variant Classification Process June 2021. Collection method: clinical testing. Allele origin: germline. Affected: yes.
Comment: Has not been previously published as pathogenic or benign to our knowledge; Reported as a variant of uncertain significance by another clinical laboratory in ClinVar (ClinVar Variant ID# 627742; Landrum et al., 2016); In silico analysis supports that this missense variant has a deleterious effect on protein structure/function